The following is an entry in ClinVar:

NM_016042.4(EXOSC3):c.271C>A (p.Pro91Thr)

Genes: EXOSC3 (exosome component 3; minus strand), LOC130001814 (ATAC-STARR-seq lymphoblastoid active region 28402; plus strand). Cytogenetic location: 9p13.2.
Variant type: single nucleotide variant.
Coding change: c.271C>A on transcript NM_016042.4 (MANE Select); coding-DNA position 271, C replaced by A.
Protein change: p.Pro91Thr; replaces proline 91 with threonine.
Molecular consequence: missense variant.
Genome position (GRCh38, 1-based): chr9:37,784,774, G>T on the plus strand (C>A on the coding strand, the complement: EXOSC3 is on the minus strand). VCF-style: chr9-37784774-G-T. GRCh37 (hg19) VCF-style: chr9-37784771-G-T.
Other names: c.271C>A, p.Pro91Thr (NM_001002269.2); short protein forms P91T.
Identifiers: ClinVar variation 430520 (VCV000430520.3), dbSNP rs537289113, ClinGen allele CA5062814.

ClinVar aggregate classification (germline): Uncertain significance (1 of 4 stars; one submission).

Allele frequency attached by ClinVar (database versions not stated): TOPMed 0.00001; gnomAD exomes 0.00002 and 0.00007; gnomAD 0.00003 and 0.00005; ExAC 0.00006; 1000 Genomes Project 0.00040; 1000 Genomes Project 30x 0.00047.
gnomAD v4.1: 35 of 1,606,038 alleles (0.0022%); highest among the groups gnomAD compares: East Asian, 0.076%; no homozygotes.

Submission:

GeneDx
Classification: Uncertain significance. Last evaluated: 2019-07-01. Review status: criteria provided, single submitter. Criteria: GeneDx Variant Classification Process June 2021. Collection method: clinical testing. Allele origin: germline. Affected: yes.
Comment: In silico analysis, which includes protein predictors and evolutionary conservation, supports a deleterious effect; Has not been previously published as pathogenic or benign to our knowledge